The following is an entry in ClinVar:

ClinVar aggregate classification (germline): Uncertain significance. Review status: criteria provided, multiple submitters, no conflicts (2 of 4 stars). 3 submissions from 3 submitters: Uncertain significance (3). Last evaluated 2025-09-04.

Conditions:
Inborn genetic diseases. Identifiers: MedGen C0950123, MeSH D030342.

gnomAD v4.1: 2 of 1,610,750 alleles (0.00012%); no homozygotes.

Submissions (3):

Mayo Clinic Laboratories, Mayo Clinic
Classification: Uncertain significance. Last evaluated: 2025-09-04. Review status: criteria provided, single submitter. Criteria: ACMG Guidelines, 2015. Collection method: clinical testing. Allele origin: germline. Observed: 1 variant allele.
Comment: BP4_moderate, PM2_supporting

Blueprint Genetics
Classification: Uncertain significance. Last evaluated: 2024-07-05. Review status: criteria provided, single submitter. Criteria: ACMG Guidelines, 2015. Collection method: clinical testing. Allele origin: germline.

Ambry Genetics
Classification: Uncertain significance for Inborn genetic diseases. Last evaluated: 2024-06-26. Review status: criteria provided, single submitter. Criteria: Ambry Variant Classification Scheme 2023. Collection method: clinical testing. Allele origin: germline.

NM_139242.4(MTFMT):c.1117C>T (p.Pro373Ser)

Gene: MTFMT (mitochondrial methionyl-tRNA formyltransferase; minus strand). Cytogenetic location: 15q22.31.
Variant type: single nucleotide variant.
Coding change: c.1117C>T on transcript NM_139242.4 (MANE Select); coding-DNA position 1117, C replaced by T.
Protein change: p.Pro373Ser; replaces proline 373 with serine.
Molecular consequence: missense variant.
Genome position (GRCh38, 1-based): chr15:65,003,115, G>A on the plus strand (C>T on the coding strand, the complement: MTFMT is on the minus strand). VCF-style: chr15-65003115-G-A. GRCh37 (hg19) VCF-style: chr15-65295453-G-A.
Other names: p.Pro373Ser; short protein forms P373S.
Identifiers: ClinVar variation 3399325 (VCV003399325.3).